The following is an entry in ClinVar:

ClinVar aggregate classification (germline): Uncertain significance (1 of 4 stars; one submission).

Conditions:
Hereditary cancer-predisposing syndrome. Also called: Tumor predisposition; Hereditary Cancer Syndrome; Neoplastic Syndromes, Hereditary; Hereditary neoplastic syndrome. Identifiers: Orphanet 140162, MedGen C0027672, MeSH D009386, MONDO:0015356.

Submission:

Color Diagnostics, LLC DBA Color Health
Classification: Uncertain significance for Hereditary cancer-predisposing syndrome. Last evaluated: 2025-07-17. Review status: criteria provided, single submitter. Criteria: ACMG Guidelines, 2015. Collection method: clinical testing. Allele origin: germline.
Comment: This variant causes a G to C nucleotide substitution at the +3 position of intron 15/16 of the BAP1 gene. To our knowledge, functional studies have not been reported for this variant. This variant has not been reported in individuals affected with BAP1-related disorders in the literature. This variant has not been identified in the general population by the Genome Aggregation Database (gnomAD). The available evidence is insufficient to determine the role of this variant in disease conclusively. Therefore, this variant is classified as a Variant of Uncertain Significance.

NM_004656.4(BAP1):c.1983+3G>C

Gene: BAP1 (BRCA1 associated deubiquitinase 1; minus strand). Cytogenetic location: 3p21.1.
Variant type: single nucleotide variant.
Coding change: c.1983+3G>C on transcript NM_004656.4 (MANE Select); 3 bases into the intron after coding-DNA position 1983, G replaced by C.
Molecular consequence: intron variant.
Genome position (GRCh38, 1-based): chr3:52,402,776, C>G on the plus strand (G>C on the coding strand, the complement: BAP1 is on the minus strand). VCF-style: chr3-52402776-C-G. GRCh37 (hg19) VCF-style: chr3-52436792-C-G.
Other names: c.1929+3G>C (NM_001410772.1).
Identifiers: ClinVar variation 4757705 (VCV004757705.1).